The following is an entry in ClinVar:

ClinVar aggregate classification (germline): Likely pathogenic. Review status: criteria provided, single submitter (1 of 4 stars). 2 submissions from 2 submitters: Likely pathogenic (1). 1 of the submissions does not count toward it. Last evaluated 2025-03-05.

Conditions:
Charcot-Marie-Tooth disease X-linked dominant 1. Also called: Charcot-Marie-Tooth Neuropathy X Type 1; X-linked Charcot-Marie-Tooth disease type 1; GJB1 Disorders: Charcot-Marie-Tooth Neuropathy (CMT1X) and Central Nervous System Phenotypes; CHARCOT-MARIE-TOOTH NEUROPATHY, X-LINKED, 1; CHARCOT-MARIE-TOOTH PERONEAL MUSCULAR ATROPHY, X-LINKED; HEREDITARY MOTOR AND SENSORY NEUROPATHY, X-LINKED. Identifiers: Orphanet 101075, MedGen C0393808, MONDO:0010549, OMIM 302800.
Charcot-Marie-Tooth disease. Also called: Charcot-Marie-Tooth Hereditary Neuropathy; Charcot-Marie-Tooth Neuropathy. Identifiers: Orphanet 166, MedGen C0007959, MONDO:0015626.

Submissions (2):

Department of Human Genetics, University Hospital Bern, Inselspital
Classification: Likely pathogenic for Charcot-Marie-Tooth disease X-linked dominant 1. Last evaluated: 2025-03-05. Review status: criteria provided, single submitter. Criteria: ACMG Guidelines, 2015. Collection method: clinical testing. Allele origin: unknown. Inheritance: X-linked inheritance. Affected: yes. Observed: 2 variant alleles, 2 heterozygotes.
Comment: The reported missense variant in GJB1 is classified as probably pathogenic according to ACMG criteria. It has not been reported in gnomAD so far (v4.1) but has been described once in ClinVar as a variant of unclear significance (ClinVar Variation ID: VCV000637589.1 - SCV000929226.1) and once in the literature in a patient with CMTX1 as pathogenic (Dubourg et al., 2001, PMID: 11571214). This variant has been detected in two unrelated female patients with polyneuropathy in our internal patient cohort. In addition, other missense variants at this amino acid position have been described as pathogenic (e.g. p.(His94Arg) in Arthur-Farraj et al., 2012, PMID: 22464564; p.(His94Gln) in Iacobelli et al., 2003, PMID: 14680548; p.(His94Tyr) in Bone et al., 1997, PMID: 9361298). The reported variant is classified as pathogenic by the prediction program REVEL.

Inherited Neuropathy Consortium
Classification: Uncertain significance for Charcot-Marie-Tooth disease. Review status: no assertion criteria provided. Collection method: literature only. Allele origin: germline. Affected: yes. Not counted in ClinVar's aggregate classification.

Literature cited by the submitters: PubMed 11571214 (cited by Department of Human Genetics, University Hospital Bern, Inselspital and Inherited Neuropathy Consortium); PubMed 22464564 (cited by Department of Human Genetics, University Hospital Bern, Inselspital); PubMed 14680548 (cited by Department of Human Genetics, University Hospital Bern, Inselspital); PubMed 9361298 (cited by Department of Human Genetics, University Hospital Bern, Inselspital).

NM_000166.6(GJB1):c.280C>G (p.His94Asp)

Gene: GJB1 (gap junction protein beta 1; plus strand). Cytogenetic location: Xq13.1.
Variant type: single nucleotide variant.
Coding change: c.280C>G on transcript NM_000166.6 (MANE Select); coding-DNA position 280, C replaced by G.
Protein change: p.His94Asp; replaces histidine 94 with aspartic acid.
Molecular consequence: missense variant.
Genome position (GRCh38, 1-based): chrX:71,223,987, C>G. VCF-style: chrX-71223987-C-G. GRCh37 (hg19) VCF-style: chrX-70443837-C-G.
Other names: c.280C>G, p.His94Asp (NM_001097642.3); short protein forms H94D.
Identifiers: ClinVar variation 637589 (VCV000637589.3), dbSNP rs1602349087, ClinGen allele CA413501755.